The following is an entry in ClinVar:

ClinVar aggregate classification (germline): Uncertain significance. Review status: criteria provided, multiple submitters, no conflicts (2 of 4 stars). 3 submissions from 3 submitters: Uncertain significance (3). Last evaluated 2025-05-01.

gnomAD v4.1: 8 of 1,613,974 alleles (0.0005%); highest among the groups gnomAD compares: African/African-American, 0.0013%; no homozygotes.

Submissions (3):

GeneDx
Classification: Uncertain significance. Last evaluated: 2025-05-01. Review status: criteria provided, single submitter. Criteria: GeneDx Variant Classification Process June 2021. Collection method: clinical testing. Allele origin: germline. Affected: yes.
Comment: Not observed at significant frequency in large population cohorts (gnomAD); In silico analysis suggests that this missense variant does not alter protein structure/function; Has not been previously published as pathogenic or benign to our knowledge

Labcorp Genetics (formerly Invitae), Labcorp
Classification: Uncertain significance. Last evaluated: 2024-10-17. Review status: criteria provided, single submitter. Criteria: Invitae Variant Classification Sherloc (09022015). Collection method: clinical testing. Allele origin: germline.
Comment: This sequence change replaces threonine, which is neutral and polar, with arginine, which is basic and polar, at codon 628 of the WFS1 protein (p.Thr628Arg). The frequency data for this variant in the population databases is considered unreliable, as metrics indicate poor data quality at this position in the gnomAD database. This variant has not been reported in the literature in individuals affected with WFS1-related conditions. Invitae Evidence Modeling of protein sequence and biophysical properties (such as structural, functional, and spatial information, amino acid conservation, physicochemical variation, residue mobility, and thermodynamic stability) has been performed for this missense variant. However, the output from this modeling did not meet the statistical confidence thresholds required to predict the impact of this variant on WFS1 protein function. In summary, the available evidence is currently insufficient to determine the role of this variant in disease. Therefore, it has been classified as a Variant of Uncertain Significance.

Blueprint Genetics
Classification: Uncertain significance. Last evaluated: 2023-12-12. Review status: criteria provided, single submitter. Criteria: ACMG Guidelines, 2015. Collection method: clinical testing. Allele origin: germline.

NM_006005.3(WFS1):c.1883C>G (p.Thr628Arg)

Gene: WFS1 (wolframin ER transmembrane glycoprotein; plus strand). Cytogenetic location: 4p16.1.
Variant type: single nucleotide variant.
Coding change: c.1883C>G on transcript NM_006005.3 (MANE Select); coding-DNA position 1883, C replaced by G.
Protein change: p.Thr628Arg; replaces threonine 628 with arginine.
Molecular consequence: missense variant.
Genome position (GRCh38, 1-based): chr4:6,301,678, C>G. VCF-style: chr4-6301678-C-G. GRCh37 (hg19) VCF-style: chr4-6303405-C-G.
Other names: c.1883C>G, p.Thr628Arg (NM_001145853.1); short protein forms T628R.
Identifiers: ClinVar variation 2987464 (VCV002987464.5), dbSNP rs368236000, ClinGen allele CA2839532.
Genomic context (GRCh38, chr4:6,301,678, plus strand): 5'-TGCTGTTGCGCTGGTGGACCAAGGCCAGCTTCTCTGTGGTGGGGATGGTGAAGTCCCTGA[C>G]GCGGAGCTCCATGGTCAAGCTCATCCTGGTGTGGCTCACGGCCATCGTGCTGTTCTGCTG-3'
Protein context (NP_005996.2, residues 618-638): FSVVGMVKSL[Thr628Arg]RSSMVKLILV